The following is an entry in ClinVar:

NM_018489.3(ASH1L):c.3783C>T (p.Ser1261=)

Gene: ASH1L (ASH1 like histone lysine methyltransferase; minus strand). Cytogenetic location: 1q22.
Variant type: single nucleotide variant.
Coding change: c.3783C>T on transcript NM_018489.3 (MANE Select); coding-DNA position 3783, C replaced by T.
Protein change: p.Ser1261=; no amino-acid change (serine 1261 retained).
Molecular consequence: synonymous variant.
Genome position (GRCh38, 1-based): chr1:155,479,087, G>A on the plus strand (C>T on the coding strand, the complement: ASH1L is on the minus strand). VCF-style: chr1-155479087-G-A. GRCh37 (hg19) VCF-style: chr1-155448878-G-A.
Other names: c.3783C>T, p.Ser1261= (NM_001366177.2).
Identifiers: ClinVar variation 1176208 (VCV001176208.35), dbSNP rs138639058, ClinGen allele CA1147029.

ClinVar aggregate classification (germline): Likely benign (1 of 4 stars; one submission).

Allele frequency attached by ClinVar (database versions not stated): gnomAD 0.00006 and 0.00013; TOPMed 0.00011; ESP Exome Variant Server 0.00015; gnomAD exomes 0.00017 and 0.00027; ExAC 0.00031; 1000 Genomes Project 30x 0.00047; 1000 Genomes Project 0.00060.

Submission:

CeGaT Center for Human Genetics Tuebingen
Classification: Likely benign. Last evaluated: 2026-09-01. Review status: criteria provided, single submitter. Criteria: CeGaT Center For Human Genetics Tuebingen Variant Classification Criteria Version 2. Collection method: clinical testing. Allele origin: germline. Affected: yes. Observed: 8 variant alleles.
Comment: ASH1L: BP4, BP7